The following is an entry in ClinVar:

NM_025114.4(CEP290):c.2251C>T (p.Arg751Ter)

Gene: CEP290 (centrosomal protein 290; minus strand). Cytogenetic location: 12q21.32.
Variant type: single nucleotide variant.
Coding change: c.2251C>T on transcript NM_025114.4 (MANE Select); coding-DNA position 2251, C replaced by T.
Protein change: p.Arg751Ter; replaces arginine 751 with a stop codon.
Molecular consequence: nonsense.
Genome position (GRCh38, 1-based): chr12:88,111,318, G>A on the plus strand (C>T on the coding strand, the complement: CEP290 is on the minus strand). VCF-style: chr12-88111318-G-A. GRCh37 (hg19) VCF-style: chr12-88505095-G-A.
Other names: short protein forms R751*.
Identifiers: ClinVar variation 585307 (VCV000585307.17), dbSNP rs753884599, ClinGen allele CA6712362.

ClinVar aggregate classification (germline): Pathogenic/Likely pathogenic. Review status: criteria provided, multiple submitters, no conflicts (2 of 4 stars). 11 submissions from 11 submitters: Pathogenic (10); Likely pathogenic (1). Last evaluated 2026-08-06.

Conditions:
Leber congenital amaurosis (LCA). Also called: Leber's amaurosis. Identifiers: Orphanet 65, MedGen C0339527, MeSH D057130, MONDO:0018998.
CEP290-related disorder. Also called: CEP290-related condition; CEP290-related disorders. Identifiers: MedGen CN239314.
Nephronophthisis. Also called: Juvenile Nephronophthisis. Identifiers: Orphanet 655, MedGen C0687120, MONDO:0019005, HP:0000090.
Joubert syndrome. Also called: Familial aplasia of the vermis; JOUBERT-BOLTSHAUSER SYNDROME. Identifiers: Orphanet 475, MedGen C5979921, MONDO:0018772.
Meckel-Gruber syndrome. Also called: DYSENCEPHALIA SPLANCHNOCYSTICA; GRUBER SYNDROME; Dysencephalia splachnocystica. Identifiers: Orphanet 564, MedGen C0265215, MONDO:0018921.
Retinal dystrophy. Also called: Inherited retinal dystrophy. Identifiers: Orphanet 71862, MedGen C0854723, MeSH D058499, MONDO:0019118, HP:0000556.
Joubert syndrome 5 (JBTS5). Identifiers: Orphanet 2318, MedGen C1857780, MONDO:0012432, OMIM 610188.
Bardet-Biedl syndrome 14 (BBS14). Identifiers: Orphanet 110, MedGen C2673874, MONDO:0014442, OMIM 615991.
CEP290-related ciliopathy. Also called: CEP290 ciliopathy. Identifiers: MedGen CN305601, MONDO:0100451.
Leber congenital amaurosis 10 (LCA10). Identifiers: Orphanet 65, MedGen C1857821, MONDO:0012723, OMIM 611755.
Meckel syndrome, type 4 (MKS4). Also called: MECKEL-GRUBER SYNDROME, TYPE 4. Identifiers: Orphanet 564, MedGen C1970161, MONDO:0012626, OMIM 611134.
Senior-Loken syndrome 6 (SLSN6). Identifiers: Orphanet 3156, MedGen C1857779, MONDO:0012433, OMIM 610189.

Allele frequency attached by ClinVar (database versions not stated): TOPMed 0.00001; ExAC 0.00004.
gnomAD v4.1: 5 of 1,561,412 alleles (0.00032%); highest among the groups gnomAD compares: Non-Finnish European, 0.00035%; no homozygotes.

Submissions (11):

OLLIN Analises Genomicas, OLLIN
Classification: Likely pathogenic for Bardet-Biedl syndrome 14. Last evaluated: 2026-08-06. Review status: criteria provided, single submitter. Criteria: ACMG Guidelines 2015 PMID 25741868. Collection method: clinical testing. Allele origin: germline. Inheritance: Autosomal recessive inheritance.
Comment: This nonsense variant, located in exon 22 (of 54), has been reported in ClinVar (accession VCV000585307.14) and in gnomAD with an allele frequency of 0.00032%. However, to our knowledge, it has not been reported in the scientific literature. This variant introduces a premature stop codon, which is predicted to result in either a truncated protein or degradation of the mRNA via nonsense-mediated decay (NMD). According to the currently available evidence, this variant has been classified as likely pathogenic (PVS1, PM2_P).

Natera, Inc.
Classification: Pathogenic for Leber congenital amaurosis. Last evaluated: 2025-10-22. Review status: criteria provided, single submitter. Criteria: Natera Variant Classification Schema (03/2026). Collection method: clinical testing. Allele origin: germline.
Comment: The c.2251C>T variant in CEP290 is a nonsense variant predicted to introduce a stop codon at amino acid 751. This variant is expected to result in nonsense mediated decay, truncation, or a dysfunctional protein product. This variant is rare in the general population with a frequency below the threshold expected for the associated phenotype(s). This variant has been observed in one or more individuals affected with the associated recessive disease, as either homozygous or compound heterozygous with a second variant (PMID: 31816670). Given the available evidence, this variant is classified as Pathogenic.

PreventionGenetics, part of Exact Sciences
Classification: Pathogenic for CEP290-related condition. Last evaluated: 2025-08-27. Review status: criteria provided, single submitter. Criteria: ACMG Guidelines, 2015. Collection method: clinical testing. Allele origin: germline.
Comment: The CEP290 c.2251C>T variant is predicted to result in premature protein termination (p.Arg751*). This variant has been reported in the compound heterozygous or homozygous state in individuals with Joubert syndrome (see for example: Tory et al. 2007. PubMed ID: 17409309; Supplementary table S4, Diderich et al. 2020. PubMed ID: 33249554; Supplementary table, Petzold et al. 2023. PubMed ID: 37230223). This variant is reported in 0.0075% of alleles in individuals of East Asian descent in gnomAD. Nonsense variants in CEP290 are expected to be pathogenic. This variant is interpreted as pathogenic.

Myriad Genetics, Inc.
Classification: Pathogenic for CEP290-related ciliopathy. Last evaluated: 2024-07-13. Review status: criteria provided, single submitter. Criteria: Myriad Autosomal Dominant, Autosomal Recessive and X-Linked Classification Criteria (2023). Collection method: clinical testing. Allele origin: unknown.
Comment: NM_025114.3(CEP290):c.2251C>T(R751*) is expected to be pathogenic in the context of CEP290-related disorders. This variant is predicted to lead to an abnormal or absent protein product due to the creation of a premature termination codon in CEP290, a gene where loss-of-function variants are known to be pathogenic. Please note: this variant was assessed in the context of healthy population screening.

Labcorp Genetics (formerly Invitae), Labcorp
Classification: Pathogenic for Joubert syndrome; Meckel-Gruber syndrome; Nephronophthisis. Last evaluated: 2024-02-13. Review status: criteria provided, single submitter. Criteria: Invitae Variant Classification Sherloc (09022015). Collection method: clinical testing. Allele origin: germline.
Comment: This sequence change creates a premature translational stop signal (p.Arg751*) in the CEP290 gene. It is expected to result in an absent or disrupted protein product. Loss-of-function variants in CEP290 are known to be pathogenic (PMID: 16909394, 17345604, 20690115). The frequency data for this variant in the population databases is considered unreliable, as metrics indicate poor data quality at this position in the gnomAD database. This premature translational stop signal has been observed in individual(s) with Joubert syndrome (PMID: 17409309). ClinVar contains an entry for this variant (Variation ID: 585307). Algorithms developed to predict the effect of sequence changes on RNA splicing suggest that this variant may disrupt the consensus splice site. For these reasons, this variant has been classified as Pathogenic.

Baylor Genetics
Classification: Pathogenic for Bardet-Biedl syndrome 14. Last evaluated: 2023-03-07. Review status: criteria provided, single submitter. Criteria: ACMG Guidelines, 2015. Collection method: clinical testing. Allele origin: unknown.

Revvity Omics, Revvity
Classification: Pathogenic. Last evaluated: 2022-12-21. Review status: criteria provided, single submitter. Criteria: ACMG Guidelines, 2015. Collection method: clinical testing. Allele origin: germline.

Fulgent Genetics
Classification: Pathogenic for Joubert syndrome 5; Senior-Loken syndrome 6; Meckel syndrome, type 4; Leber congenital amaurosis 10; Bardet-Biedl syndrome 14. Last evaluated: 2022-05-02. Review status: criteria provided, single submitter. Criteria: ACMG Guidelines, 2015. Collection method: clinical testing. Allele origin: unknown.

Institute of Human Genetics, Univ. Regensburg, Univ. Regensburg
Classification: Pathogenic for Retinal dystrophy. Last evaluated: 2021-01-01. Review status: criteria provided, single submitter. Criteria: ACMG Guidelines, 2015. Collection method: clinical testing. Allele origin: germline. Affected: yes.

Molecular Diagnostics Laboratory, M Health Fairview: University of Minnesota
Classification: Pathogenic for Joubert syndrome 5. Last evaluated: 2017-01-30. Review status: criteria provided, single submitter. Criteria: ACMG Guidelines, 2015. Collection method: clinical testing. Allele origin: germline. Affected: yes. Observed: 1 variant allele.

Juno Genomics, Hangzhou Juno Genomics, Inc
Classification: Pathogenic for Bardet-Biedl syndrome 14; Joubert syndrome 5; Leber congenital amaurosis 10; Meckel syndrome, type 4; Senior-Loken syndrome 6. Review status: criteria provided, single submitter. Criteria: ACMG Guidelines, 2015. Collection method: clinical testing. Allele origin: germline.
Comment: Absent from controls (or at extremely low frequency if recessive) in Genome Aggregation Database.;Null variant in a gene where loss of function (LOF) is a known mechanism of disease.;For recessive disorders, detected in trans with a pathogenic variant.;Co-segregation with disease in multiple affected family members.

Literature cited by the submitters: PubMed 31816670 (cited by Natera, Inc. and Institute of Human Genetics, Univ. Regensburg, Univ. Regensburg); PubMed 16909394 (cited by Labcorp Genetics (formerly Invitae), Labcorp); PubMed 17345604 (cited by Labcorp Genetics (formerly Invitae), Labcorp); PubMed 20690115 (cited by Labcorp Genetics (formerly Invitae), Labcorp); PubMed 17409309 (cited by 3 submitters); PubMed 25525159 (cited by Institute of Human Genetics, Univ. Regensburg, Univ. Regensburg); PubMed 31589614 (cited by Institute of Human Genetics, Univ. Regensburg, Univ. Regensburg); PubMed 32619255 (cited by Institute of Human Genetics, Univ. Regensburg, Univ. Regensburg).